The following is an entry in ClinVar:

ClinVar aggregate classification (germline): not provided (0 of 4 stars; one submission).

Allele frequency attached by ClinVar (database versions not stated): gnomAD 0.00018 and 0.00023; TOPMed 0.00021; ESP Exome Variant Server 0.00032; gnomAD exomes 0.00037 and 0.00064; ExAC 0.00057.
gnomAD v4.1: 575 of 1,613,642 alleles (0.036%); highest among the groups gnomAD compares: Middle Eastern, 0.35%; 4 homozygotes.

Submission:

ITMI
No classification provided. Condition: AllHighlyPenetrant. Last evaluated: 2013-09-19. Review status: no classification provided. Collection method: reference population. Allele origin: germline.
Comment: Please see associated publication for description of ethnicities

Literature cited by the submitters: PubMed 24728327.

NM_022148.4(CRLF2):c.637G>A (p.Glu213Lys)

Gene: CRLF2 (cytokine receptor like factor 2; minus strand). Cytogenetic location: Xp22.33.
Variant type: single nucleotide variant.
Coding change: c.637G>A on transcript NM_022148.4 (MANE Select); coding-DNA position 637, G replaced by A.
Protein change: p.Glu213Lys; replaces glutamic acid 213 with lysine.
Molecular consequence: missense variant.
Genome position (GRCh38, 1-based): chrX:1,198,571, C>T on the plus strand (G>A on the coding strand, the complement: CRLF2 is on the minus strand). VCF-style: chrX-1198571-C-T. GRCh37 (hg19) VCF-style: chrX-1317428-C-T.
Other names: c.301G>A, p.Glu101Lys (NM_001012288.3); short protein forms E101K, E213K.
Identifiers: ClinVar variation 133949 (VCV000133949.1), dbSNP rs200254974, ClinGen allele CA158220.